The following is an entry in ClinVar:

NM_198880.3(QRICH1):c.1355T>C (p.Val452Ala)

Gene: QRICH1 (glutamine rich 1; minus strand). Cytogenetic location: 3p21.31.
Variant type: single nucleotide variant.
Coding change: c.1355T>C on transcript NM_198880.3 (MANE Select); coding-DNA position 1355, T replaced by C.
Protein change: p.Val452Ala; replaces valine 452 with alanine.
Molecular consequence: missense variant.
Genome position (GRCh38, 1-based): chr3:49,047,230, A>G on the plus strand (T>C on the coding strand, the complement: QRICH1 is on the minus strand). VCF-style: chr3-49047230-A-G. GRCh37 (hg19) VCF-style: chr3-49084663-A-G.
Other names: c.1355T>C, p.Val452Ala (NM_001320580.2, NM_001320581.2, NM_001320582.2 and 4 more transcripts); short protein forms V452A.
Identifiers: ClinVar variation 1706156 (VCV001706156.2), dbSNP rs2471682865, ClinGen allele CA352760735.

ClinVar aggregate classification (germline): Uncertain significance (1 of 4 stars; one submission).

gnomAD v4.1: 2 of 1,614,062 alleles (0.00012%); highest among the groups gnomAD compares: Non-Finnish European, 0.00017%; no homozygotes.

Submission:

GeneDx
Classification: Uncertain significance. Last evaluated: 2022-03-16. Review status: criteria provided, single submitter. Criteria: GeneDx Variant Classification Process June 2021. Collection method: clinical testing. Allele origin: germline. Affected: yes.
Comment: Not observed at significant frequency in large population cohorts (gnomAD); In silico analysis supports that this missense variant does not alter protein structure/function; Has not been previously published as pathogenic or benign to our knowledge